The following is an entry in ClinVar:

ClinVar aggregate classification (germline): Conflicting classifications of pathogenicity. Review status: criteria provided, conflicting classifications (1 of 4 stars). 5 submissions from 5 submitters: Uncertain significance (3); Likely benign (1). 1 of the submissions does not count toward it. Last evaluated 2024-08-05.

Conditions:
Hereditary cancer-predisposing syndrome. Also called: Tumor predisposition; Hereditary neoplastic syndrome; Hereditary Cancer Syndrome; Neoplastic Syndromes, Hereditary. Identifiers: Orphanet 140162, MedGen C0027672, MeSH D009386, MONDO:0015356.
Pilocytic astrocytoma. Also called: Pilocytic astrocytoma, somatic. Identifiers: Orphanet 251612, MedGen C0334583, MONDO:0016691, HP:0033680.
Hereditary breast ovarian cancer syndrome. Also called: Hereditary breast and/or ovarian cancer syndrome; Breast and ovarian cancer; Hereditary breast and ovarian cancer syndrome; Hereditary breast and ovarian cancer; Hereditary breast and ovarian cancer syndrome (HBOC); BRCA1- and BRCA2-Associated Hereditary Breast and Ovarian Cancer. Identifiers: Orphanet 145, MedGen C0677776, MeSH D061325, MONDO:0003582. Disease mechanism: loss of function.
Breast-ovarian cancer, familial, susceptibility to, 1 (BROVCA1). Also called: BRCA1 Hereditary Breast and Ovarian Cancer; OVARIAN CANCER, SUSCEPTIBILITY TO. Identifiers: Orphanet 145, MedGen C2676676, MONDO:0011450, OMIM 604370. Disease mechanism: loss of function.

Allele frequency attached by ClinVar (database versions not stated): gnomAD exomes below 0.00001; ExAC 0.00001; gnomAD 0.00001; 1000 Genomes Project 30x 0.00016; 1000 Genomes Project 0.00020.
gnomAD v4.1: 3 of 1,613,494 alleles (0.00019%); highest among the groups gnomAD compares: African/African-American, 0.0027%; no homozygotes.

Submissions (5):

Labcorp Genetics (formerly Invitae), Labcorp
Classification: Uncertain significance for Hereditary breast ovarian cancer syndrome. Last evaluated: 2024-08-05. Review status: criteria provided, single submitter. Criteria: Invitae Variant Classification Sherloc (09022015). Collection method: clinical testing. Allele origin: germline.
Comment: This sequence change replaces serine, which is neutral and polar, with cysteine, which is neutral and slightly polar, at codon 819 of the BRCA1 protein (p.Ser819Cys). This variant is not present in population databases (gnomAD no frequency). This variant has not been reported in the literature in individuals affected with BRCA1-related conditions. ClinVar contains an entry for this variant (Variation ID: 156187). Advanced modeling of protein sequence and biophysical properties (such as structural, functional, and spatial information, amino acid conservation, physicochemical variation, residue mobility, and thermodynamic stability) performed at Invitae indicates that this missense variant is not expected to disrupt BRCA1 protein function with a negative predictive value of 95%. In summary, the available evidence is currently insufficient to determine the role of this variant in disease. Therefore, it has been classified as a Variant of Uncertain Significance.

University of Washington Department of Laboratory Medicine, University of Washington
Classification: Likely benign for Hereditary cancer-predisposing syndrome. Last evaluated: 2023-03-23. Review status: criteria provided, single submitter. Criteria: Dines et al. (Genet Med. 2020). Collection method: curation. Allele origin: germline.
Comment: Missense variant in a coldspot region where missense variants are very unlikely to be pathogenic (PMID:31911673).

BRCA1 coldspot (exon 11 using historical exon numbering). Reclassification based on statistical prior probability

Ambry Genetics
Classification: Uncertain significance for Hereditary cancer-predisposing syndrome. Last evaluated: 2019-01-02. Review status: criteria provided, single submitter. Criteria: Ambry Variant Classification Scheme 2023. Collection method: clinical testing. Allele origin: germline.
Comment: The p.S819C variant (also known as c.2456C>G), located in coding exon 9 of the BRCA1 gene, results from a C to G substitution at nucleotide position 2456. The serine at codon 819 is replaced by cysteine, an amino acid with dissimilar properties. This amino acid position is not well conserved in available vertebrate species. In addition, the in silico prediction for this alteration is inconclusive. Since supporting evidence is limited at this time, the clinical significance of this alteration remains unclear.

Laboratory of Medical Genetics Unit, Bambino Gesù Children's Hospital
Classification: Uncertain significance for Pilocytic astrocytoma. Review status: criteria provided, single submitter. Criteria: ACMG Guidelines, 2015. Collection method: research. Allele origin: germline. Affected: yes.
Comment: The variant NM_007294.4 (BRCA1):c.2456C>G (p.Ser819Cys) is rare in GnomAD and it is not reported in literature. It is annotated on Clinvar as benign/vus associated with Hereditary Cancer-predisposing Syndrome [RCV002444597] and Hereditary Breast Ovarian Cancer Syndrome [RCV000637627]. It is classified as VUS variant following the ACMG criteria (PM2).

Sharing Clinical Reports Project (SCRP)
Classification: Uncertain significance for Breast-ovarian cancer, familial 1. Last evaluated: 2010-12-03. Review status: no assertion criteria provided. Collection method: clinical testing. Allele origin: germline. Not counted in ClinVar's aggregate classification.

NM_007294.4(BRCA1):c.2456C>G (p.Ser819Cys)

Gene: BRCA1 (BRCA1 DNA repair associated; minus strand). Cytogenetic location: 17q21.31.
Variant type: single nucleotide variant.
Coding change: c.2456C>G on transcript NM_007294.4 (MANE Select); coding-DNA position 2456, C replaced by G.
Protein change: p.Ser819Cys; replaces serine 819 with cysteine.
Molecular consequence: missense variant. On other transcripts: intron variant (137).
Genome position (GRCh38, 1-based): chr17:43,093,075, G>C on the plus strand (C>G on the coding strand, the complement: BRCA1 is on the minus strand). VCF-style: chr17-43093075-G-C. GRCh37 (hg19) VCF-style: chr17-41245092-G-C.
Other names: 2575C>G; c.2243C>G, p.Ser748Cys (NM_001407571.1, NM_001407853.1, NM_001407894.1 and 9 more transcripts); c.2456C>G, p.Ser819Cys (NM_001407581.1, NM_001407582.1, NM_001407583.1 and 30 more transcripts); c.2453C>G, p.Ser818Cys (NM_001407587.1, NM_001407590.1, NM_001407591.1 and 22 more transcripts); c.2447C>G, p.Ser816Cys (NM_001407646.1, NM_001407647.1); c.2333C>G, p.Ser778Cys (NM_001407648.1, NM_001407664.1, NM_001407665.1 and 19 more transcripts); c.2375C>G, p.Ser792Cys (NM_001407661.1, NM_001407662.1, NM_001407659.1 and 1 more transcripts); c.2378C>G, p.Ser793Cys (NM_001407663.1, NM_001407653.1, NM_001407654.1 and 4 more transcripts); and 42 more; short protein forms S819C, S772C, S651C, S730C, S752C, S771C, S777C, S778C.
Identifiers: ClinVar variation 156187 (VCV000156187.14), dbSNP rs192655097, ClinGen allele CA001637.